The following is an entry in ClinVar:

NM_001040142.2(SCN2A):c.2197G>A (p.Ala733Thr)

Gene: SCN2A (sodium voltage-gated channel alpha subunit 2; plus strand). Cytogenetic location: 2q24.3.
Variant type: single nucleotide variant.
Coding change: c.2197G>A on transcript NM_001040142.2 (MANE Select); coding-DNA position 2197, G replaced by A.
Protein change: p.Ala733Thr; replaces alanine 733 with threonine.
Molecular consequence: missense variant.
Genome position (GRCh38, 1-based): chr2:165,331,377, G>A. VCF-style: chr2-165331377-G-A. GRCh37 (hg19) VCF-style: chr2-166187887-G-A.
Other names: c.2197G>A, p.Ala733Thr (NM_001040143.2, NM_001371246.1, NM_001371247.1 and 1 more transcripts); short protein forms A733T.
Identifiers: ClinVar variation 1707519 (VCV001707519.5), dbSNP rs1387426259, ClinGen allele CA349030675.

ClinVar aggregate classification (germline): Conflicting classifications of pathogenicity. Review status: criteria provided, conflicting classifications (1 of 4 stars). 3 submissions from 3 submitters: Pathogenic (1); Likely pathogenic (1); Uncertain significance (1). Last evaluated 2026-03-11.

Conditions:
Developmental and epileptic encephalopathy, 11 (DEE11). Also called: Early infantile epileptic encephalopathy 11. Identifiers: Orphanet 1934, MedGen C3150987, MONDO:0013388, OMIM 613721.
Seizures, benign familial infantile, 3 (BFIS3). Also called: CONVULSIONS, BENIGN FAMILIAL INFANTILE, 3; Familial neonatal seizures. Identifiers: Orphanet 140927, Orphanet 306, MedGen C1843140, MONDO:0011904, OMIM 607745.

Allele frequency attached by ClinVar (database versions not stated): TOPMed below 0.00001.
gnomAD v4.1: 2 of 1,613,748 alleles (0.00012%); highest among the groups gnomAD compares: East Asian, 0.0022%; no homozygotes.

Submissions (3):

MVZ Martinsried, Medicover Genetics
Classification: Likely pathogenic for Developmental and epileptic encephalopathy, 11. Last evaluated: 2026-03-11. Review status: criteria provided, single submitter. Criteria: ClinGen Variant Curation SOP V3.2 + Classification Guidance July2025. Collection method: clinical testing. Allele origin: inherited. Affected: yes. Observed: 1 heterozygote.

Labcorp Genetics (formerly Invitae), Labcorp
Classification: Pathogenic for Seizures, benign familial infantile, 3; Developmental and epileptic encephalopathy, 11. Last evaluated: 2023-08-22. Review status: criteria provided, single submitter. Criteria: Invitae Variant Classification Sherloc (09022015). Collection method: clinical testing. Allele origin: germline.
Comment: For these reasons, this variant has been classified as Pathogenic. Advanced modeling of protein sequence and biophysical properties (such as structural, functional, and spatial information, amino acid conservation, physicochemical variation, residue mobility, and thermodynamic stability) performed at Invitae indicates that this missense variant is expected to disrupt SCN2A protein function. ClinVar contains an entry for this variant (Variation ID: 1707519). This missense change has been observed in individual(s) with SCN2A-related conditions (PMID: 28379373). In at least one individual the variant was observed to be de novo. This variant is present in population databases (no rsID available, gnomAD 0.0009%). This sequence change replaces alanine, which is neutral and non-polar, with threonine, which is neutral and polar, at codon 733 of the SCN2A protein (p.Ala733Thr).

Institute of Human Genetics, University of Leipzig Medical Center
Classification: Uncertain significance for Developmental and epileptic encephalopathy, 11. Last evaluated: 2022-08-23. Review status: criteria provided, single submitter. Criteria: ACMG Guidelines, 2015. Collection method: clinical testing. Allele origin: unknown. Affected: yes.
Comment: Criteria applied: PS2_MOD, PP2, PP3

Literature cited by the submitters: PubMed 28379373 (cited by Labcorp Genetics (formerly Invitae), Labcorp).